The following is an entry in ClinVar:

NM_000038.6(APC):c.6354T>C (p.Ala2118=)

Gene: APC (APC regulator of Wnt signaling pathway; plus strand). Cytogenetic location: 5q22.2.
Variant type: single nucleotide variant.
Coding change: c.6354T>C on transcript NM_000038.6 (MANE Select); coding-DNA position 6354, T replaced by C.
Protein change: p.Ala2118=; no amino-acid change (alanine 2118 retained).
Molecular consequence: synonymous variant. On other transcripts: non-coding transcript variant (2).
Genome position (GRCh38, 1-based): chr5:112,841,948, T>C. VCF-style: chr5-112841948-T-C. GRCh37 (hg19) VCF-style: chr5-112177645-T-C.
Other names: c.6354T>C, p.Ala2118= (NM_001127510.3, NM_001354895.2, NM_001407450.1); c.6300T>C, p.Ala2100= (NM_001127511.3); c.6408T>C, p.Ala2136= (NM_001354896.2, NM_001407447.1, NM_001407448.1 and 1 more transcripts); c.6384T>C, p.Ala2128= (NM_001354897.2); c.6279T>C, p.Ala2093= (NM_001354898.2); c.6270T>C, p.Ala2090= (NM_001354899.2); c.6231T>C, p.Ala2077= (NM_001354900.2); c.6177T>C, p.Ala2059= (NM_001354901.2, NM_001407453.1); and 11 more.
Identifiers: ClinVar variation 3253878 (VCV003253878.1), dbSNP rs2149963026.
Genomic context (GRCh38, chr5:112,841,948, plus strand): 5'-TTTTGATTGGAAAGCTATTCAGGAAGGTGCAAATTCCATAGTAAGTAGTTTACATCAAGC[T>C]GCTGCTGCTGCATGTTTATCTAGACAAGCTTCGTCTGATTCAGATTCCATCCTTTCCCTG-3'
Protein context (NP_000029.2, residues 2108-2128): ANSIVSSLHQ[Ala2118=]AAAACLSRQA

ClinVar aggregate classification (germline): Benign (1 of 4 stars; one submission).

Conditions:
Familial adenomatous polyposis 1 (FAP1). Also called: POLYPOSIS, ADENOMATOUS INTESTINAL; FAMILIAL ADENOMATOUS POLYPOSIS 1, ATTENUATED. Identifiers: MedGen C2713442, MONDO:0021056, OMIM 175100. Disease mechanism: loss of function.

Allele frequency attached by ClinVar (database versions not stated): gnomAD exomes below 0.00001.
gnomAD v4.1: 2 of 1,613,336 alleles (0.00012%); highest among the groups gnomAD compares: Non-Finnish European, 0.00017%; no homozygotes.

Submission:

Myriad Genetics, Inc.
Classification: Benign for Familial adenomatous polyposis 1. Last evaluated: 2024-04-04. Review status: criteria provided, single submitter. Criteria: Myriad Autosomal Dominant, Autosomal Recessive and X-Linked Classification Criteria (2023). Collection method: clinical testing. Allele origin: unknown.
Comment: This variant is considered benign. This variant is a silent/synonymous amino acid change and it is not expected to impact splicing.